The following is an entry in ClinVar:

NM_006361.6(HOXB13):c.552C>A (p.Cys184Ter)

Gene: HOXB13 (homeobox B13; minus strand). Cytogenetic location: 17q21.32.
Variant type: single nucleotide variant.
Coding change: c.552C>A on transcript NM_006361.6 (MANE Select); coding-DNA position 552, C replaced by A.
Protein change: p.Cys184Ter; replaces cysteine 184 with a stop codon.
Molecular consequence: nonsense.
Genome position (GRCh38, 1-based): chr17:48,728,042, G>T on the plus strand (C>A on the coding strand, the complement: HOXB13 is on the minus strand). VCF-style: chr17-48728042-G-T. GRCh37 (hg19) VCF-style: chr17-46805404-G-T.
Other names: short protein forms C184*.
Identifiers: ClinVar variation 690851 (VCV000690851.3), dbSNP rs1597933837, ClinGen allele CA400107204.

ClinVar aggregate classification (germline): Uncertain significance. Review status: criteria provided, single submitter (1 of 4 stars). 2 submissions from 2 submitters: Uncertain significance (1). 1 of the submissions does not count toward it. Last evaluated 2025-09-02.

Conditions:
Prostate cancer, hereditary, 1 (HPC1). Identifiers: Orphanet 1331, MedGen C4722327, MONDO:0011098, OMIM 601518.
Hereditary cancer-predisposing syndrome. Also called: Neoplastic Syndromes, Hereditary; Tumor predisposition; Hereditary neoplastic syndrome; Hereditary Cancer Syndrome. Identifiers: Orphanet 140162, MedGen C0027672, MeSH D009386, MONDO:0015356.

Submissions (2):

Ambry Genetics
Classification: Uncertain significance for Hereditary cancer-predisposing syndrome. Last evaluated: 2025-09-02. Review status: criteria provided, single submitter. Criteria: Ambry Variant Classification Scheme 2023. Collection method: clinical testing. Allele origin: germline.
Comment: The p.C184* variant (also known as c.552C>A), located in coding exon 1 of the HOXB13 gene, results from a C to A substitution at nucleotide position 552. This changes the amino acid from a cysteine to a stop codon within coding exon 1. This alteration occurs at the 3' terminus of the gene and is not expected to trigger nonsense-mediated mRNA decay. Based on the available evidence, the clinical significance of this alteration remains unclear.

Laboratory of Virology, Microbiology,  Quality and Medical Biotechnologies, Faculty of Sciences and Techniques - Mohammedia, Hassan II University of Casablanca
Classification: Uncertain significance for Prostate cancer, hereditary, 1. Review status: no assertion criteria provided. Collection method: clinical testing. Allele origin: somatic. Affected: yes. Not counted in ClinVar's aggregate classification.